The following is an entry in ClinVar:

NM_177972.3(TUB):c.1194A>T (p.Arg398Ser)

Genes: RIC3 (RIC3 acetylcholine receptor chaperone; minus strand), TUB (TUB bipartite transcription factor; plus strand). Cytogenetic location: 11p15.4.
Variant type: single nucleotide variant.
Coding change: c.1194A>T on transcript NM_177972.3 (MANE Select); coding-DNA position 1194, A replaced by T.
Protein change: p.Arg398Ser; replaces arginine 398 with serine.
Molecular consequence: missense variant.
Genome position (GRCh38, 1-based): chr11:8,100,580, A>T. VCF-style: chr11-8100580-A-T. GRCh37 (hg19) VCF-style: chr11-8122127-A-T.
Other names: c.1359A>T, p.Arg453Ser (NM_003320.5); short protein forms R453S, R398S.
Identifiers: ClinVar variation 960587 (VCV000960587.7), dbSNP rs1944234037, ClinGen allele CA379571111.

ClinVar aggregate classification (germline): Uncertain significance (1 of 4 stars; one submission).

Allele frequency attached by ClinVar (database versions not stated): gnomAD 0.00001.
gnomAD v4.1: 7 of 1,613,972 alleles (0.00043%); highest among the groups gnomAD compares: Admixed American, 0.0083%; no homozygotes.

Submission:

Labcorp Genetics (formerly Invitae), Labcorp
Classification: Uncertain significance. Last evaluated: 2024-03-04. Review status: criteria provided, single submitter. Criteria: Invitae Variant Classification Sherloc (09022015). Collection method: clinical testing. Allele origin: germline.
Comment: This sequence change replaces arginine, which is basic and polar, with serine, which is neutral and polar, at codon 453 of the TUB protein (p.Arg453Ser). This variant is not present in population databases (gnomAD no frequency). This variant has not been reported in the literature in individuals affected with TUB-related conditions. ClinVar contains an entry for this variant (Variation ID: 960587). An algorithm developed to predict the effect of missense changes on protein structure and function (PolyPhen-2) suggests that this variant is likely to be disruptive. In summary, the available evidence is currently insufficient to determine the role of this variant in disease. Therefore, it has been classified as a Variant of Uncertain Significance.